The following is an entry in ClinVar:

NM_000285.4(PEPD):c.880G>A (p.Ala294Thr)

Gene: PEPD (peptidase D; minus strand). Cytogenetic location: 19q13.11.
Variant type: single nucleotide variant.
Coding change: c.880G>A on transcript NM_000285.4 (MANE Select); coding-DNA position 880, G replaced by A.
Protein change: p.Ala294Thr; replaces alanine 294 with threonine.
Molecular consequence: missense variant.
Genome position (GRCh38, 1-based): chr19:33,401,808, C>T on the plus strand (G>A on the coding strand, the complement: PEPD is on the minus strand). VCF-style: chr19-33401808-C-T. GRCh37 (hg19) VCF-style: chr19-33892714-C-T.
Other names: c.757G>A, p.Ala253Thr (NM_001166056.2); c.688G>A, p.Ala230Thr (NM_001166057.2); short protein forms A230T, A253T, A294T.
Identifiers: ClinVar variation 1505690 (VCV001505690.5), dbSNP rs773146135, ClinGen allele CA9364087.

ClinVar aggregate classification (germline): Uncertain significance (1 of 4 stars; one submission).

Allele frequency attached by ClinVar (database versions not stated): ExAC 0.00001; gnomAD exomes 0.00002; gnomAD 0.00004 and 0.00005; TOPMed 0.00004.
gnomAD v4.1: 37 of 1,612,738 alleles (0.0023%); highest among the groups gnomAD compares: Non-Finnish European, 0.003%; no homozygotes.

Submission:

Labcorp Genetics (formerly Invitae), Labcorp
Classification: Uncertain significance. Last evaluated: 2021-09-24. Review status: criteria provided, single submitter. Criteria: Invitae Variant Classification Sherloc (09022015). Collection method: clinical testing. Allele origin: germline.
Comment: This sequence change replaces alanine with threonine at codon 294 of the PEPD protein (p.Ala294Thr). The alanine residue is highly conserved and there is a small physicochemical difference between alanine and threonine. This variant is present in population databases (rs773146135, ExAC 0.01%). This variant has not been reported in the literature in individuals with PEPD-related conditions. Algorithms developed to predict the effect of missense changes on protein structure and function (SIFT, PolyPhen-2, Align-GVGD) all suggest that this variant is likely to be tolerated, but these predictions have not been confirmed by published functional studies and their clinical significance is uncertain. In summary, the available evidence is currently insufficient to determine the role of this variant in disease. Therefore, it has been classified as a Variant of Uncertain Significance.